The following is an entry in ClinVar:

ClinVar aggregate classification (germline): Uncertain significance (1 of 4 stars; one submission).

Conditions:
Inflammatory bowel disease 25. Also called: Inflammatory bowel disease 25, early onset, autosomal recessive. Identifiers: Orphanet 238569, MedGen C2675508, MONDO:0012941, OMIM 612567.

Allele frequency attached by ClinVar (database versions not stated): gnomAD exomes below 0.00001; gnomAD 0.00001.
gnomAD v4.1: 3 of 1,613,938 alleles (0.00019%); highest among the groups gnomAD compares: Middle Eastern, 0.033%; no homozygotes.

Submission:

Labcorp Genetics (formerly Invitae), Labcorp
Classification: Uncertain significance for Inflammatory bowel disease 25. Last evaluated: 2022-07-03. Review status: criteria provided, single submitter. Criteria: Invitae Variant Classification Sherloc (09022015). Collection method: clinical testing. Allele origin: germline.
Comment: This variant has not been reported in the literature in individuals affected with IL10RB-related conditions. Algorithms developed to predict the effect of missense changes on protein structure and function (SIFT, PolyPhen-2, Align-GVGD) all suggest that this variant is likely to be tolerated. In summary, the available evidence is currently insufficient to determine the role of this variant in disease. Therefore, it has been classified as a Variant of Uncertain Significance. This variant is present in population databases (no rsID available, gnomAD 0.0009%). This sequence change replaces histidine, which is basic and polar, with tyrosine, which is neutral and polar, at codon 275 of the IL10RB protein (p.His275Tyr).

NM_000628.5(IL10RB):c.823C>T (p.His275Tyr)

Genes: IFNAR2-IL10RB (IFNAR2-IL10RB readthrough; plus strand), IL10RB (interleukin 10 receptor subunit beta; plus strand). Cytogenetic location: 21q22.11.
Variant type: single nucleotide variant.
Coding change: c.823C>T on transcript NM_000628.5 (MANE Select); coding-DNA position 823, C replaced by T.
Protein change: p.His275Tyr; replaces histidine 275 with tyrosine.
Molecular consequence: missense variant. On other transcripts: intron variant (2).
Genome position (GRCh38, 1-based): chr21:33,296,202, C>T. VCF-style: chr21-33296202-C-T. GRCh37 (hg19) VCF-style: chr21-34668507-C-T.
Other names: c.1483C>T, p.His495Tyr (NM_001414505.1); c.665C>T, p.Ser222Leu (NM_001406840.1); c.804+7941C>T (NM_001405849.1, NM_001405850.1); short protein forms S222L, H275Y, H495Y.
Identifiers: ClinVar variation 2046535 (VCV002046535.4), dbSNP rs1237511761, ClinGen allele CA410096147.